The following is an entry in ClinVar:

ClinVar aggregate classification (germline): Uncertain significance (1 of 4 stars; one submission).

Submission:

GeneDx
Classification: Uncertain significance. Last evaluated: 2026-04-07. Review status: criteria provided, single submitter. Criteria: GeneDx Variant Classification Process June 2021. Collection method: clinical testing. Allele origin: germline.
Comment: Not observed at significant frequency in large population cohorts (gnomAD); In silico analysis supports that this missense variant has a deleterious effect on protein structure/function; Has not been previously published as pathogenic or benign to our knowledge

NM_000383.4(AIRE):c.976C>G (p.Pro326Ala)

Gene: AIRE (autoimmune regulator; plus strand). Cytogenetic location: 21q22.3.
Variant type: single nucleotide variant.
Coding change: c.976C>G on transcript NM_000383.4 (MANE Select); coding-DNA position 976, C replaced by G.
Protein change: p.Pro326Ala; replaces proline 326 with alanine.
Molecular consequence: missense variant.
Genome position (GRCh38, 1-based): chr21:44,291,191, C>G. VCF-style: chr21-44291191-C-G. GRCh37 (hg19) VCF-style: chr21-45711074-C-G.
Other names: short protein forms P326A.
Identifiers: ClinVar variation 4083284 (VCV004083284.2).